The following is an entry in ClinVar:

NM_001458.5(FLNC):c.3541T>C (p.Ser1181Pro)

Gene: FLNC (filamin C; plus strand). Cytogenetic location: 7q32.1.
Variant type: single nucleotide variant.
Coding change: c.3541T>C on transcript NM_001458.5 (MANE Select); coding-DNA position 3541, T replaced by C.
Protein change: p.Ser1181Pro; replaces serine 1181 with proline.
Molecular consequence: missense variant.
Genome position (GRCh38, 1-based): chr7:128,845,006, T>C. VCF-style: chr7-128845006-T-C. GRCh37 (hg19) VCF-style: chr7-128485060-T-C.
Other names: c.3541T>C, p.Ser1181Pro (NM_001127487.2); short protein forms S1181P.
Identifiers: ClinVar variation 1055185 (VCV001055185.9), dbSNP rs2128936467, ClinGen allele CA369197198.
Genomic context (GRCh38, chr7:128,845,006, plus strand): 5'-AGTGGACCGGGCCTGGAGCGCGGCAAGGTCGGTGAGGCAGCCACCTTCACTGTGGACTGC[T>C]CAGAGGCAGGCGAGGCGGAGCTGACCATTGAGATCCTGTCGGATGCCGGGGTCAAGGCCG-3'
Protein context (NP_001449.3, residues 1171-1191): GEAATFTVDC[Ser1181Pro]EAGEAELTIE

ClinVar aggregate classification (germline): Uncertain significance (1 of 4 stars; one submission).

Conditions:
Hypertrophic cardiomyopathy 26. Also called: Cardiomyopathy, familial hypertrophic, 26. Identifiers: Orphanet 75249, MedGen C4310749, MONDO:0014883, OMIM 617047.
Distal myopathy with posterior leg and anterior hand involvement. Also called: WILLIAMS DISTAL MYOPATHY. Identifiers: Orphanet 63273, MedGen C3279722, MONDO:0013550, OMIM 614065.
Myofibrillar myopathy 5. Also called: Filaminopathy (type); FILAMINOPATHY, AUTOSOMAL DOMINANT. Identifiers: Orphanet 171445, MedGen C1836050, MONDO:0012289, OMIM 609524.

Submission:

Labcorp Genetics (formerly Invitae), Labcorp
Classification: Uncertain significance for Distal myopathy with posterior leg and anterior hand involvement; Myofibrillar myopathy 5; Hypertrophic cardiomyopathy 26. Last evaluated: 2025-09-06. Review status: criteria provided, single submitter. Criteria: Invitae Variant Classification Sherloc (09022015). Collection method: clinical testing. Allele origin: germline.
Comment: This sequence change replaces serine, which is neutral and polar, with proline, which is neutral and non-polar, at codon 1181 of the FLNC protein (p.Ser1181Pro). This variant is not present in population databases (gnomAD no frequency). This variant has not been reported in the literature in individuals affected with FLNC-related conditions. ClinVar contains an entry for this variant (Variation ID: 1055185). Invitae Evidence Modeling of protein sequence and biophysical properties (such as structural, functional, and spatial information, amino acid conservation, physicochemical variation, residue mobility, and thermodynamic stability) has been performed for this missense variant. However, the output from this modeling did not meet the statistical confidence thresholds required to predict the impact of this variant on FLNC protein function. In summary, the available evidence is currently insufficient to determine the role of this variant in disease. Therefore, it has been classified as a Variant of Uncertain Significance.